The following is an entry in ClinVar:

NM_000077.5(CDKN2A):c.32dup (p.Ser12fs)

Gene: CDKN2A (cyclin dependent kinase inhibitor 2A; minus strand). Cytogenetic location: 9p21.3.
Variant type: Duplication.
Coding change: c.32dup on transcript NM_000077.5; coding-DNA position 32, one base duplicated (C; older notation c.32dupC).
Protein change: p.Ser12fs; shifts the reading frame from serine 12.
Molecular consequence: frameshift variant (on NM_000077.4). On other transcripts: intron variant (2).
Genome position (GRCh38, 1-based): chr9:21,974,796, G duplicated on the plus strand (C on the coding strand, the reverse complement: CDKN2A is on the minus strand); the first of 2 consecutive G bases (chr9:21,974,796-21,974,797); duplicating either gives the same sequence. VCF-style (leftmost placement, unchanged base first): chr9-21974795-A-AG. GRCh37 (hg19) VCF-style: chr9-21974794-A-AG.
Other names: c.32dup, p.Ser12fs (NM_000077.4, NM_001195132.2, NM_058197.5); c.31dup, p.Ser12Phefs (NM_000077.6); c.-3-3588dup (NM_001363763.2); c.194-3588dup (NM_058195.4); short protein forms S12fs.
Identifiers: ClinVar variation 857264 (VCV000857264.11), dbSNP rs1819962958, ClinGen allele CA916080412.

ClinVar aggregate classification (germline): Pathogenic (1 of 4 stars; one submission).

Conditions:
Familial melanoma. Also called: Hereditary melanoma; Hereditary cutaneous melanoma. Identifiers: Orphanet 618, MedGen C1512419, MONDO:0018961.

Submission:

Labcorp Genetics (formerly Invitae), Labcorp
Classification: Pathogenic for Familial melanoma. Last evaluated: 2022-05-11. Review status: criteria provided, single submitter. Criteria: Invitae Variant Classification Sherloc (09022015). Collection method: clinical testing. Allele origin: germline.
Comment: For these reasons, this variant has been classified as Pathogenic. ClinVar contains an entry for this variant (Variation ID: 857264). This variant has not been reported in the literature in individuals affected with CDKN2A (p16INK4a)-related conditions. This variant is not present in population databases (gnomAD no frequency). This sequence change creates a premature translational stop signal (p.Ser12Phefs*3) in the CDKN2A (p16INK4a) gene. It is expected to result in an absent or disrupted protein product. Loss-of-function variants in CDKN2A (p16INK4a) are known to be pathogenic (PMID: 15146471, 16905682).

Literature cited by the submitters: PubMed 15146471; PubMed 16905682.